The following is an entry in ClinVar:

ClinVar aggregate classification (germline): Uncertain significance. Review status: criteria provided, multiple submitters, no conflicts (2 of 4 stars). 2 submissions from 2 submitters: Uncertain significance (2). Last evaluated 2025-11-25.

Conditions:
Inborn genetic diseases. Identifiers: MedGen C0950123, MeSH D030342.

gnomAD v4.1: 3 of 1,614,080 alleles (0.00019%); highest among the groups gnomAD compares: Admixed American, 0.0017%; no homozygotes.

Submissions (2):

Ambry Genetics
Classification: Uncertain significance for Inborn genetic diseases. Last evaluated: 2025-11-25. Review status: criteria provided, single submitter. Criteria: Ambry Variant Classification Scheme 2023. Collection method: clinical testing. Allele origin: germline.

Labcorp Genetics (formerly Invitae), Labcorp
Classification: Uncertain significance. Last evaluated: 2024-10-29. Review status: criteria provided, single submitter. Criteria: Invitae Variant Classification Sherloc (09022015). Collection method: clinical testing. Allele origin: germline.
Comment: This sequence change replaces methionine, which is neutral and non-polar, with threonine, which is neutral and polar, at codon 681 of the CNOT1 protein (p.Met681Thr). This variant is not present in population databases (gnomAD no frequency). This variant has not been reported in the literature in individuals affected with CNOT1-related conditions. An algorithm developed to predict the effect of missense changes on protein structure and function (PolyPhen-2) suggests that this variant is likely to be tolerated. In summary, the available evidence is currently insufficient to determine the role of this variant in disease. Therefore, it has been classified as a Variant of Uncertain Significance.

NM_016284.5(CNOT1):c.2042T>C (p.Met681Thr)

Gene: CNOT1 (CCR4-NOT transcription complex subunit 1; minus strand). Cytogenetic location: 16q21.
Variant type: single nucleotide variant.
Coding change: c.2042T>C on transcript NM_016284.5 (MANE Select); coding-DNA position 2042, T replaced by C.
Protein change: p.Met681Thr; replaces methionine 681 with threonine.
Molecular consequence: missense variant. On other transcripts: non-coding transcript variant (1).
Genome position (GRCh38, 1-based): chr16:58,560,300, A>G on the plus strand (T>C on the coding strand, the complement: CNOT1 is on the minus strand). VCF-style: chr16-58560300-A-G. GRCh37 (hg19) VCF-style: chr16-58594204-A-G.
Other names: c.2042T>C, p.Met681Thr (NM_001265612.2, NM_206999.3); c.2042T>C (NM_016284.3); short protein forms M681T.
Identifiers: ClinVar variation 3688781 (VCV003688781.3).